The following is an entry in ClinVar:

NM_000152.5(GAA):c.1610del (p.Glu537fs)

Gene: GAA (alpha glucosidase; plus strand). Cytogenetic location: 17q25.3.
Variant type: Deletion.
Coding change: c.1610del on transcript NM_000152.5 (MANE Select); coding-DNA position 1610, one base deleted (A; older notation c.1610delA).
Protein change: p.Glu537fs; shifts the reading frame from glutamic acid 537.
Molecular consequence: frameshift variant.
Genome position (GRCh38, 1-based): chr17:80,110,999, A deleted. VCF-style (leftmost placement, unchanged base first): chr17-80110998-GA-G. GRCh37 (hg19) VCF-style: chr17-78084797-GA-G.
Other names: c.1610del, p.Glu537fs (NM_001079803.3, NM_001079804.3); c.1610delA (NM_000152.4); c.1610del (NM_000152.3); short protein forms E537fs.
Identifiers: ClinVar variation 1407438 (VCV001407438.34), dbSNP rs762060817, ClinGen allele CA8815391.

ClinVar aggregate classification (germline): Pathogenic/Likely pathogenic. Review status: criteria provided, multiple submitters, no conflicts (2 of 4 stars). 5 submissions from 5 submitters: Pathogenic (3); Likely pathogenic (2). Last evaluated 2026-07-01.

Conditions:
Glycogen storage disease, type II (IOPD). Also called: Glycogen storage disease type 2; Acid maltase deficiency disease; Aglucosidase alfa; Deficiency of alpha-glucosidase; Deficiency of lysosomal alpha-glucosidase; Glucosidase acid-1,4-alpha deficiency. Identifiers: Orphanet 365, MedGen C0017921, MONDO:0009290, OMIM 232300.

Allele frequency attached by ClinVar (database versions not stated): gnomAD exomes below 0.00001 and 0.00001; ExAC 0.00001.

Submissions (5):

Genomenon, Inc
Classification: Pathogenic for Glycogen storage disease, type II. Last evaluated: 2026-07-01. Review status: criteria provided, single submitter. Criteria: Genomenon Sequence Variant Interpretation Standards - Updated. Collection method: curation. Allele origin: germline. Affected: yes.
Comment: GAA p.Glu537GlyfsTer41 (c.1610del) is a frameshift variant that is predicted to introduce a premature termination codon and result in a truncated or absent protein product. This variant has been observed in at least one proband with a GAA-related disorder (PMID:32248831). It is absent or not present at a significant frequency in gnomAD. In conclusion, we classify GAA p.Glu537GlyfsTer41 (c.1610del) as a pathogenic variant.

GeneDx
Classification: Likely pathogenic. Last evaluated: 2026-04-07. Review status: criteria provided, single submitter. Criteria: GeneDx Variant Classification Process June 2021. Collection method: clinical testing. Allele origin: germline.
Comment: Frameshift variant predicted to result in protein truncation or nonsense mediated decay in a gene for which loss of function is a known mechanism of disease; Not observed at significant frequency in large population cohorts (gnomAD); Previously reported in association with GSD II (PMID: 33560568); This variant is associated with the following publications: (PMID: 33560568)

Natera, Inc.
Classification: Likely pathogenic for Glycogen storage disease type II. Last evaluated: 2025-08-24. Review status: criteria provided, single submitter. Criteria: Natera Variant Classification Schema (03/2026). Collection method: clinical testing. Allele origin: germline.
Comment: The c.1610delA variant in GAA is a frameshift variant predicted to shift the reading frame beginning at codon 537 and leads to a stop codon 41 codons downstream. This variant is expected to result in nonsense mediated decay, truncation, or a dysfunctional protein product. This variant is rare in the general population with a frequency below the threshold expected for the associated phenotype(s). Given the available evidence, this variant is classified as Likely Pathogenic.

CeGaT Center for Human Genetics Tuebingen
Classification: Pathogenic. Last evaluated: 2023-11-01. Review status: criteria provided, single submitter. Criteria: CeGaT Center For Human Genetics Tuebingen Variant Classification Criteria Version 2. Collection method: clinical testing. Allele origin: germline. Affected: yes. Observed: 1 variant allele.
Comment: GAA: PVS1, PM3:Strong, PM2

Labcorp Genetics (formerly Invitae), Labcorp
Classification: Pathogenic for Glycogen storage disease, type II. Last evaluated: 2023-06-06. Review status: criteria provided, single submitter. Criteria: Invitae Variant Classification Sherloc (09022015). Collection method: clinical testing. Allele origin: germline.
Comment: This variant is present in population databases (rs762060817, gnomAD 0.002%). For these reasons, this variant has been classified as Pathogenic. ClinVar contains an entry for this variant (Variation ID: 1407438). This premature translational stop signal has been observed in individual(s) with Pompe disease (PMID: 33560568; Invitae). This sequence change creates a premature translational stop signal (p.Glu537Glyfs*41) in the GAA gene. It is expected to result in an absent or disrupted protein product. Loss-of-function variants in GAA are known to be pathogenic (PMID: 18425781, 22252923).

Literature cited by the submitters: PubMed 32248831 (cited by Genomenon, Inc); PubMed 33560568 (cited by Labcorp Genetics (formerly Invitae), Labcorp); PubMed 18425781 (cited by Labcorp Genetics (formerly Invitae), Labcorp); PubMed 22252923 (cited by Labcorp Genetics (formerly Invitae), Labcorp).